The following is an entry in ClinVar:

NM_000535.7(PMS2):c.1564A>C (p.Ser522Arg)

Gene: PMS2 (PMS1 homolog 2, mismatch repair system component; minus strand). Cytogenetic location: 7p22.1.
Variant type: single nucleotide variant.
Coding change: c.1564A>C on transcript NM_000535.7 (MANE Select); coding-DNA position 1564, A replaced by C.
Protein change: p.Ser522Arg; replaces serine 522 with arginine.
Molecular consequence: missense variant. On other transcripts: non-coding transcript variant (1).
Genome position (GRCh38, 1-based): chr7:5,987,201, T>G on the plus strand (A>C on the coding strand, the complement: PMS2 is on the minus strand). VCF-style: chr7-5987201-T-G. GRCh37 (hg19) VCF-style: chr7-6026832-T-G.
Other names: c.1159A>C, p.Ser387Arg (NM_001322003.2, NM_001322004.2, NM_001322005.2 and 1 more transcripts); c.1408A>C, p.Ser470Arg (NM_001322006.2); c.1246A>C, p.Ser416Arg (NM_001322007.2, NM_001322008.2); c.1003A>C, p.Ser335Arg (NM_001322010.2); c.631A>C, p.Ser211Arg (NM_001322011.2, NM_001322012.2); c.991A>C, p.Ser331Arg (NM_001322013.2); c.1564A>C, p.Ser522Arg (NM_001322014.2); c.1255A>C, p.Ser419Arg (NM_001322015.2); short protein forms S522R, S211R, S387R, S331R, S419R, S335R, S416R, S470R.
Identifiers: ClinVar variation 490094 (VCV000490094.8), dbSNP rs1554297553, ClinGen allele CA366741581.
Genomic context (GRCh38, chr7:5,987,201, plus strand): 5'-TTTTAGGCGCTTTCTCCTGAGAGTCCACATGTTCCTGCGAGCCCCTGTCCCCTGGGGAGC[T>G]GGCCGCATACTCGCTGCTGCAGTGACTGCCCGTGTCTGGGATGCTGAACCCCTCAGAATC-3'
Protein context (NP_000526.2, residues 512-532): GSHCSSEYAA[Ser522Arg]SPGDRGSQEH

ClinVar aggregate classification (germline): Uncertain significance. Review status: criteria provided, multiple submitters, no conflicts (2 of 4 stars). 3 submissions from 3 submitters: Uncertain significance (3). Last evaluated 2024-03-11.

Conditions:
Hereditary nonpolyposis colorectal neoplasms. Identifiers: MedGen C0009405, MeSH D003123.
Hereditary cancer-predisposing syndrome. Also called: Hereditary Cancer Syndrome; Neoplastic Syndromes, Hereditary; Tumor predisposition; Hereditary neoplastic syndrome. Identifiers: Orphanet 140162, MedGen C0027672, MeSH D009386, MONDO:0015356.

Submissions (3):

Labcorp Genetics (formerly Invitae), Labcorp
Classification: Uncertain significance for Hereditary nonpolyposis colorectal neoplasms. Last evaluated: 2024-03-11. Review status: criteria provided, single submitter. Criteria: Invitae Variant Classification Sherloc (09022015). Collection method: clinical testing. Allele origin: germline.
Comment: This sequence change replaces serine, which is neutral and polar, with arginine, which is basic and polar, at codon 522 of the PMS2 protein (p.Ser522Arg). This variant is not present in population databases (gnomAD no frequency). This variant has not been reported in the literature in individuals affected with PMS2-related conditions. ClinVar contains an entry for this variant (Variation ID: 490094). Advanced modeling of protein sequence and biophysical properties (such as structural, functional, and spatial information, amino acid conservation, physicochemical variation, residue mobility, and thermodynamic stability) has been performed at Invitae for this missense variant, however the output from this modeling did not meet the statistical confidence thresholds required to predict the impact of this variant on PMS2 protein function. In summary, the available evidence is currently insufficient to determine the role of this variant in disease. Therefore, it has been classified as a Variant of Uncertain Significance.

Ambry Genetics
Classification: Uncertain significance for Hereditary cancer-predisposing syndrome. Last evaluated: 2023-01-13. Review status: criteria provided, single submitter. Criteria: Ambry Variant Classification Scheme 2023. Collection method: clinical testing. Allele origin: germline.
Comment: The p.S522R variant (also known as c.1564A>C), located in coding exon 11 of the PMS2 gene, results from an A to C substitution at nucleotide position 1564. The serine at codon 522 is replaced by arginine, an amino acid with dissimilar properties. This amino acid position is not well conserved in available vertebrate species. In addition, this alteration is predicted to be tolerated by in silico analysis. Since supporting evidence is limited at this time, the clinical significance of this alteration remains unclear.

Color Diagnostics, LLC DBA Color Health
Classification: Uncertain significance for Hereditary cancer-predisposing syndrome. Last evaluated: 2019-04-05. Review status: criteria provided, single submitter. Criteria: ACMG Guidelines, 2015. Collection method: clinical testing. Allele origin: germline.